The following is an entry in ClinVar:

ClinVar aggregate classification (germline): Uncertain significance (1 of 4 stars; one submission).

Conditions:
Inborn genetic diseases. Identifiers: MedGen C0950123, MeSH D030342.

Submission:

Ambry Genetics
Classification: Uncertain significance for Inborn genetic diseases. Last evaluated: 2025-07-14. Review status: criteria provided, single submitter. Criteria: Ambry Variant Classification Scheme 2023. Collection method: clinical testing. Allele origin: germline.
Comment: The p.L1933R variant (also known as c.5798T>G), located in coding exon 22 of the FANCM gene, results from a T to G substitution at nucleotide position 5798. The leucine at codon 1933 is replaced by arginine, an amino acid with dissimilar properties. This amino acid position is conserved. In addition, this alteration is predicted to be deleterious by in silico analysis. Based on the available evidence, the clinical significance of this variant remains unclear.

NM_020937.4(FANCM):c.5798T>G (p.Leu1933Arg)

Gene: FANCM (FA complementation group M; plus strand). Cytogenetic location: 14q21.2.
Variant type: single nucleotide variant.
Coding change: c.5798T>G on transcript NM_020937.4 (MANE Select); coding-DNA position 5798, T replaced by G.
Protein change: p.Leu1933Arg; replaces leucine 1933 with arginine.
Molecular consequence: missense variant.
Genome position (GRCh38, 1-based): chr14:45,198,725, T>G. VCF-style: chr14-45198725-T-G. GRCh37 (hg19) VCF-style: chr14-45667928-T-G.
Other names: c.5720T>G, p.Leu1907Arg (NM_001308133.2); short protein forms L1933R, L1907R.
Identifiers: ClinVar variation 4254594 (VCV004254594.1).
Genomic context (GRCh38, chr14:45,198,725, plus strand): 5'-GGAGAACAAAGAGCTATGACAGCCTGCTGACTACCTTAATTGGCGCTGGAATCCGAATTC[T>G]TTTCAGTTCCTGCCAAGAAGAAACCGCAGATTTGCTAAAGGAACTGTCTTTAGTGGAACA-3'
Protein context (NP_065988.1, residues 1923-1943): TTLIGAGIRI[Leu1933Arg]FSSCQEETAD